The following is an entry in ClinVar:

ClinVar aggregate classification (germline): Uncertain significance (1 of 4 stars; one submission).

Submission:

Ambry Genetics
Classification: Uncertain significance. Last evaluated: 2024-03-09. Review status: criteria provided, single submitter. Criteria: Ambry Variant Classification Scheme 2023. Collection method: clinical testing. Allele origin: germline.
Comment: The p.K231E variant (also known as c.691A>G), located in coding exon 1 of the MLH3 gene, results from an A to G substitution at nucleotide position 691. The lysine at codon 231 is replaced by glutamic acid, an amino acid with similar properties. This amino acid position is conserved. In addition, this alteration is predicted to be tolerated by in silico analysis. Based on the available evidence, the clinical significance of this alteration remains unclear.

NM_001040108.2(MLH3):c.691A>G (p.Lys231Glu)

Gene: MLH3 (mutL homolog 3; minus strand). Cytogenetic location: 14q24.3.
Variant type: single nucleotide variant.
Coding change: c.691A>G on transcript NM_001040108.2 (MANE Select); coding-DNA position 691, A replaced by G.
Protein change: p.Lys231Glu; replaces lysine 231 with glutamic acid.
Molecular consequence: missense variant.
Genome position (GRCh38, 1-based): chr14:75,048,965, T>C on the plus strand (A>G on the coding strand, the complement: MLH3 is on the minus strand). VCF-style: chr14-75048965-T-C. GRCh37 (hg19) VCF-style: chr14-75515668-T-C.
Other names: c.691A>G, p.Lys231Glu (NM_014381.3); short protein forms K231E.
Identifiers: ClinVar variation 3232592 (VCV003232592.1), dbSNP rs28756981, ClinGen allele CA390449603.